The following is an entry in ClinVar:

NM_001130965.3(SUN1):c.2146T>C (p.Tyr716His)

Gene: SUN1 (Sad1 and UNC84 domain containing 1; plus strand). Cytogenetic location: 7p22.3.
Variant type: single nucleotide variant.
Coding change: c.2146T>C on transcript NM_001130965.3 (MANE Select); coding-DNA position 2146, T replaced by C.
Protein change: p.Tyr716His; replaces tyrosine 716 with histidine.
Molecular consequence: missense variant. On other transcripts: non-coding transcript variant (3).
Genome position (GRCh38, 1-based): chr7:869,514, T>C. VCF-style: chr7-869514-T-C. GRCh37 (hg19) VCF-style: chr7-909151-T-C.
Other names: c.1837T>C, p.Tyr613His (NM_001171944.2); c.2146T>C, p.Tyr716His (NM_001367633.1, NM_001367634.1, NM_001367653.1); c.1795T>C, p.Tyr599His (NM_001367635.1); c.2386T>C, p.Tyr796His (NM_001367636.1, NM_001367691.1); c.2254T>C, p.Tyr752His (NM_001367638.1); c.1687T>C, p.Tyr563His (NM_001367639.1); c.2326T>C, p.Tyr776His (NM_001367640.1); c.2428T>C, p.Tyr810His (NM_001367641.1, NM_001367682.1); and 43 more; short protein forms Y563H, Y599H, Y633H, Y683H, Y694H, Y703H, Y716H, Y732H.
Identifiers: ClinVar variation 3655177 (VCV003655177.2).

ClinVar aggregate classification (germline): Uncertain significance (1 of 4 stars; one submission).

Conditions:
Emery-Dreifuss muscular dystrophy (EDMD). Also called: Scapuloperoneal syndrome, X-linked (formerly); Humeroperoneal neuromuscular disease, (formerly). Identifiers: Orphanet 261, MedGen C0410189, MONDO:0016830.

Submission:

Labcorp Genetics (formerly Invitae), Labcorp
Classification: Uncertain significance for Emery-Dreifuss muscular dystrophy. Last evaluated: 2024-06-08. Review status: criteria provided, single submitter. Criteria: Invitae Variant Classification Sherloc (09022015). Collection method: clinical testing. Allele origin: germline.
Comment: This sequence change replaces tyrosine, which is neutral and polar, with histidine, which is basic and polar, at codon 716 of the SUN1 protein (p.Tyr716His). This variant is not present in population databases (gnomAD no frequency). This variant has not been reported in the literature in individuals affected with SUN1-related conditions. An algorithm developed to predict the effect of missense changes on protein structure and function (PolyPhen-2) suggests that this variant is likely to be disruptive. In summary, the available evidence is currently insufficient to determine the role of this variant in disease. Therefore, it has been classified as a Variant of Uncertain Significance.